The following is an entry in ClinVar:

ClinVar aggregate classification (germline): Benign/Likely benign. Review status: criteria provided, multiple submitters, no conflicts (2 of 4 stars). 6 submissions from 6 submitters: Benign (4); Likely benign (2). Last evaluated 2026-01-28.

Conditions:
Febrile seizures, familial, 4 (FEB4). Also called: CONVULSIONS, FAMILIAL FEBRILE, 4. Identifiers: MedGen C1858493, MONDO:0011443, OMIM 604352.
Usher syndrome type 2C. Also called: Usher syndrome, type 2B; USHER SYNDROME, TYPE IIC. Identifiers: Orphanet 231178, Orphanet 886, MedGen C2931213, MONDO:0011558, OMIM 605472.

Allele frequency attached by ClinVar (database versions not stated): gnomAD 0.00047 and 0.00091; TOPMed 0.00059; gnomAD exomes 0.00140 and 0.00143; ExAC 0.00141; 1000 Genomes Project 30x 0.00250; 1000 Genomes Project 0.00300.
gnomAD v4.1: 2,169 of 1,607,876 alleles (0.13%); highest among the groups gnomAD compares: East Asian, 4.7%; 85 homozygotes.

Submissions (6):

Labcorp Genetics (formerly Invitae), Labcorp
Classification: Benign. Last evaluated: 2026-01-28. Review status: criteria provided, single submitter. Criteria: Invitae Variant Classification Sherloc (09022015). Collection method: clinical testing. Allele origin: germline.

Fulgent Genetics
Classification: Likely benign for Febrile seizures, familial, 4; Usher syndrome type 2C. Last evaluated: 2021-07-20. Review status: criteria provided, single submitter. Criteria: ACMG Guidelines, 2015. Collection method: clinical testing. Allele origin: unknown.

GeneDx
Classification: Benign. Last evaluated: 2019-10-03. Review status: criteria provided, single submitter. Criteria: GeneDx Variant Classification Process June 2021. Collection method: clinical testing. Allele origin: germline. Affected: yes.

Athena Diagnostics
Classification: Benign. Last evaluated: 2018-03-30. Review status: criteria provided, single submitter. Criteria: Athena Diagnostics Criteria. Collection method: clinical testing. Allele origin: germline.

Illumina Laboratory Services, Illumina
Classification: Likely benign for Usher syndrome type 2C. Last evaluated: 2017-04-27. Review status: criteria provided, single submitter. Criteria: ICSL Variant Classification Criteria 13 December 2019. Collection method: clinical testing. Allele origin: germline.
Comment: This variant was observed as part of a predisposition screen in an ostensibly healthy population. A literature search was performed for the gene, cDNA change, and amino acid change (where applicable). No publications were found based on this search. Allele frequency data from public databases allowed determination this variant is unlikely to cause disease. Therefore, this variant is classified as likely benign.

Laboratory for Molecular Medicine, Mass General Brigham Personalized Medicine
Classification: Benign. Last evaluated: 2014-10-17. Review status: criteria provided, single submitter. Criteria: LMM Criteria. Collection method: clinical testing. Allele origin: germline. Observed: 2 variant alleles.
Comment: c.2241-10A>T in intron 11 of GPR98: This variant is not expected to have clinica l significance because it does not cause the splice site sequence to diverge fro m consensus. It has been identified in 5.1% (9/178) of Japanese chromosomes and 1.0% (2/194) of Han Chinese chromosomes by the 1000 Genomes Project (dbSNP rs150 996234).

NM_032119.4(ADGRV1):c.2241-10A>T

Gene: ADGRV1 (adhesion G protein-coupled receptor V1; plus strand). Cytogenetic location: 5q14.3.
Variant type: single nucleotide variant.
Coding change: c.2241-10A>T on transcript NM_032119.4 (MANE Select); 10 bases into the intron before coding-DNA position 2241, A replaced by T.
Molecular consequence: intron variant.
Genome position (GRCh38, 1-based): chr5:90,642,626, A>T. VCF-style: chr5-90642626-A-T. GRCh37 (hg19) VCF-style: chr5-89938443-A-T.
Identifiers: ClinVar variation 180050 (VCV000180050.21), dbSNP rs150996234, ClinGen allele CA185713.